The following is an entry in ClinVar:

ClinVar aggregate classification (germline): Uncertain significance (1 of 4 stars; one submission).

Conditions:
Tuberous sclerosis 1 (TSC1). Identifiers: Orphanet 805, MedGen C1854465, MONDO:0008612, OMIM 191100.

Allele frequency attached by ClinVar (database versions not stated): gnomAD 0.00001; TOPMed below 0.00001.
gnomAD v4.1: 1 of 1,612,716 alleles (0.000062%); highest among the groups gnomAD compares: Non-Finnish European, 0.000085%; no homozygotes.

Submission:

Labcorp Genetics (formerly Invitae), Labcorp
Classification: Uncertain significance for Tuberous sclerosis 1. Last evaluated: 2018-03-15. Review status: criteria provided, single submitter. Criteria: Invitae Variant Classification Sherloc (09022015). Collection method: clinical testing. Allele origin: germline.
Comment: In summary, the available evidence is currently insufficient to determine the role of this variant in disease. Therefore, it has been classified as a Variant of Uncertain Significance. Algorithms developed to predict the effect of missense changes on protein structure and function do not agree on the potential impact of this missense change (SIFT: "Deleterious"; PolyPhen-2: "Benign"; Align-GVGD: "Class C0"). This variant has not been reported in the literature in individuals with TSC1-related disease. This variant is not present in population databases (ExAC no frequency). This sequence change replaces threonine with isoleucine at codon 339 of the TSC1 protein (p.Thr339Ile). The threonine residue is moderately conserved and there is a moderate physicochemical difference between threonine and isoleucine.

NM_000368.5(TSC1):c.1016C>T (p.Thr339Ile)

Gene: TSC1 (TSC complex subunit 1; minus strand). Cytogenetic location: 9q34.13.
Variant type: single nucleotide variant.
Coding change: c.1016C>T on transcript NM_000368.5 (MANE Select); coding-DNA position 1016, C replaced by T.
Protein change: p.Thr339Ile; replaces threonine 339 with isoleucine.
Molecular consequence: missense variant.
Genome position (GRCh38, 1-based): chr9:132,911,466, G>A on the plus strand (C>T on the coding strand, the complement: TSC1 is on the minus strand). VCF-style: chr9-132911466-G-A. GRCh37 (hg19) VCF-style: chr9-135786853-G-A.
Other names: c.1016C>T, p.Thr339Ile (NM_001162426.2); c.863C>T, p.Thr288Ile (NM_001162427.2); c.653C>T, p.Thr218Ile (NM_001362177.2); short protein forms T339I, T218I, T288I.
Identifiers: ClinVar variation 577514 (VCV000577514.8), dbSNP rs1246013552, ClinGen allele CA375368457.